The following is an entry in ClinVar:

NM_003803.4(MYOM1):c.4087T>C (p.Tyr1363His)

Gene: MYOM1 (myomesin 1; minus strand). Cytogenetic location: 18p11.31.
Variant type: single nucleotide variant.
Coding change: c.4087T>C on transcript NM_003803.4 (MANE Select); coding-DNA position 4087, T replaced by C.
Protein change: p.Tyr1363His; replaces tyrosine 1363 with histidine.
Molecular consequence: missense variant.
Genome position (GRCh38, 1-based): chr18:3,089,224, A>G on the plus strand (T>C on the coding strand, the complement: MYOM1 is on the minus strand). VCF-style: chr18-3089224-A-G. GRCh37 (hg19) VCF-style: chr18-3089222-A-G.
Other names: c.3799T>C, p.Tyr1267His (NM_019856.2); short protein forms Y1363H, Y1267H.
Identifiers: ClinVar variation 3298011 (VCV003298011.1).

ClinVar aggregate classification (germline): Uncertain significance (1 of 4 stars; one submission).

gnomAD v4.1: 1 of 1,611,794 alleles (0.000062%); highest among the groups gnomAD compares: Non-Finnish European, 0.000085%; no homozygotes.

Submission:

Ambry Genetics
Classification: Uncertain significance. Last evaluated: 2024-06-12. Review status: criteria provided, single submitter. Criteria: Ambry Variant Classification Scheme 2023. Collection method: clinical testing. Allele origin: germline.
Comment: The p.Y1363H variant (also known as c.4087T>C), located in coding exon 28 of the MYOM1 gene, results from a T to C substitution at nucleotide position 4087. The tyrosine at codon 1363 is replaced by histidine, an amino acid with similar properties. This amino acid position is conserved. In addition, this alteration is predicted to be tolerated by in silico analysis. Based on the available evidence, the clinical significance of this variant remains unclear.